The following is an entry in ClinVar:

NM_020922.5(WNK3):c.5174C>T (p.Pro1725Leu)

Gene: WNK3 (WNK lysine deficient protein kinase 3; minus strand). Cytogenetic location: Xp11.22.
Variant type: single nucleotide variant.
Coding change: c.5174C>T on transcript NM_020922.5 (MANE Select); coding-DNA position 5174, C replaced by T.
Protein change: p.Pro1725Leu; replaces proline 1725 with leucine.
Molecular consequence: missense variant.
Genome position (GRCh38, 1-based): chrX:54,198,553, G>A on the plus strand (C>T on the coding strand, the complement: WNK3 is on the minus strand). VCF-style: chrX-54198553-G-A. GRCh37 (hg19) VCF-style: chrX-54224986-G-A.
Other names: c.5003C>T, p.Pro1668Leu (NM_001002838.4, NM_001395166.1); short protein forms P1668L, P1725L.
Identifiers: ClinVar variation 3373512 (VCV003373512.3).
Genomic context (GRCh38, chrX:54,198,553, plus strand): 5'-ACAGCATTATACTGACAAACGTGAGGCATTCCATATGATGATAATGGCCCAGGAAATGAA[G>A]GGAGTGAGAGTCCTTGTGGCAAGGAAGTTGGGACAGCTCCACGGATTTGGGACAGAGAAG-3'
Protein context (NP_065973.2, residues 1715-1735): PTSLPQGLSL[Pro1725Leu]SFPGPLSSYG

ClinVar aggregate classification (germline): Uncertain significance. Review status: criteria provided, multiple submitters, no conflicts (2 of 4 stars). 2 submissions from 2 submitters: Uncertain significance (2). Last evaluated 2025-07-10.

Submissions (2):

GeneDx
Classification: Uncertain significance. Last evaluated: 2025-07-10. Review status: criteria provided, single submitter. Criteria: GeneDx Variant Classification Process June 2021. Collection method: clinical testing. Allele origin: germline. Affected: yes.
Comment: Not observed at significant frequency in large population cohorts (gnomAD); In silico analysis supports that this missense variant has a deleterious effect on protein structure/function; Has not been previously published as pathogenic or benign to our knowledge

Ambry Genetics
Classification: Uncertain significance. Last evaluated: 2025-02-14. Review status: criteria provided, single submitter. Criteria: Ambry Variant Classification Scheme 2023. Collection method: clinical testing. Allele origin: germline.